The following is an entry in ClinVar:

ClinVar aggregate classification (germline): Uncertain significance (1 of 4 stars; one submission).

Conditions:
Inborn genetic diseases. Identifiers: MedGen C0950123, MeSH D030342.

Allele frequency attached by ClinVar (database versions not stated): gnomAD exomes below 0.00001; ExAC 0.00001; gnomAD 0.00001; TOPMed 0.00001.
gnomAD v4.1: 2 of 1,613,930 alleles (0.00012%); highest among the groups gnomAD compares: African/African-American, 0.0013%; no homozygotes.

Submission:

Ambry Genetics
Classification: Uncertain significance for Inborn genetic diseases. Last evaluated: 2022-06-27. Review status: criteria provided, single submitter. Criteria: Ambry Variant Classification Scheme 2023. Collection method: clinical testing. Allele origin: germline.
Comment: The p.Y397H variant (also known as c.1189T>C), located in coding exon 5 of the ATR gene, results from a T to C substitution at nucleotide position 1189. The tyrosine at codon 397 is replaced by histidine, an amino acid with similar properties. This amino acid position is conserved. In addition, this alteration is predicted to be tolerated by in silico analysis. Since supporting evidence is limited at this time, the clinical significance of this alteration remains unclear.

NM_001184.4(ATR):c.1189T>C (p.Tyr397His)

Gene: ATR (ATR checkpoint kinase; minus strand). Cytogenetic location: 3q23.
Variant type: single nucleotide variant.
Coding change: c.1189T>C on transcript NM_001184.4 (MANE Select); coding-DNA position 1189, T replaced by C.
Protein change: p.Tyr397His; replaces tyrosine 397 with histidine.
Molecular consequence: missense variant.
Genome position (GRCh38, 1-based): chr3:142,561,403, A>G on the plus strand (T>C on the coding strand, the complement: ATR is on the minus strand). VCF-style: chr3-142561403-A-G. GRCh37 (hg19) VCF-style: chr3-142280245-A-G.
Other names: c.1189T>C, p.Tyr397His (NM_001354579.2); short protein forms Y397H.
Identifiers: ClinVar variation 1744394 (VCV001744394.2), dbSNP rs768157135, ClinGen allele CA2650652.